The following is an entry in ClinVar:

NC_000010.11:g.(?_68161719)_(68161762_?)del

Gene: MYPN (myopalladin; plus strand). Cytogenetic location: 10q21.3.
Variant type: Deletion.
Identifiers: ClinVar variation 832999 (VCV000832999.2).

ClinVar aggregate classification (germline): Uncertain significance (1 of 4 stars; one submission).

Conditions:
Dilated cardiomyopathy 1KK (CMD1KK). Identifiers: Orphanet 154, Orphanet 75249, MedGen C3714995, MONDO:0014100, OMIM 615248.

Submission:

Labcorp Genetics (formerly Invitae), Labcorp
Classification: Uncertain significance for Dilated cardiomyopathy 1KK. Last evaluated: 2019-12-11. Review status: criteria provided, single submitter. Criteria: Invitae Variant Classification Sherloc (09022015). Collection method: clinical testing. Allele origin: germline.
Comment: This variant is an in-frame deletion of the genomic region encompassing exon 8 of the MYPN gene. It preserves the integrity of the reading frame. This variant has not been reported in the literature in individuals with MYPN-related disease. Experimental studies and prediction algorithms are not available for this variant, and the functional significance of the deleted amino acids is currently unknown. In summary, the available evidence is currently insufficient to determine the role of this variant in disease. Therefore, it has been classified as a Variant of Uncertain Significance.